The following is an entry in ClinVar:

NM_138694.4(PKHD1):c.7921A>G (p.Thr2641Ala)

Gene: PKHD1 (PKHD1 ciliary IPT domain containing fibrocystin/polyductin; minus strand). Cytogenetic location: 6p12.2.
Variant type: single nucleotide variant.
Coding change: c.7921A>G on transcript NM_138694.4 (MANE Select); coding-DNA position 7921, A replaced by G.
Protein change: p.Thr2641Ala; replaces threonine 2641 with alanine.
Molecular consequence: missense variant.
Genome position (GRCh38, 1-based): chr6:51,847,961, T>C on the plus strand (A>G on the coding strand, the complement: PKHD1 is on the minus strand). VCF-style: chr6-51847961-T-C. GRCh37 (hg19) VCF-style: chr6-51712759-T-C.
Other names: NM_138694.3(PKHD1):c.7921A>G(p.Thr2641Ala); NM_170724.2(PKHD1):c.7921A>G(p.Thr2641Ala); c.7921A>G, p.Thr2641Ala (NM_170724.3); short protein forms T2641A.
Identifiers: ClinVar variation 96426 (VCV000096426.59), dbSNP rs7766366, ClinGen allele CA149528.
Genomic context (GRCh38, chr6:51,847,961, plus strand): 5'-AAGGCGGCAAATCTGTGTGCACCAGCAGTAGGTAATTACCAGGAGCAAAGTTGTCAAAGG[T>C]TGCTGAGTACTTGAAGTGAAAGAAAAACACAATAGTGCTCATTTAGTAAGGAACCCCATC-3'
Protein context (NP_619639.3, residues 2631-2651): WINRSLQYSA[Thr2641Ala]FDNFAPGNYL

ClinVar aggregate classification (germline): Benign/Likely benign. Review status: criteria provided, multiple submitters, no conflicts (2 of 4 stars). 14 submissions from 14 submitters: Benign (9); Likely benign (2). 3 of the submissions do not count toward it. Last evaluated 2026-01-31.

Conditions:
Autosomal recessive polycystic kidney disease (ARPKD). Also called: AR polycystic kidney disease. Identifiers: Orphanet 731, Orphanet 8378, MedGen C0085548, MeSH D017044, MONDO:0009889.
Polycystic kidney disease. Also called: Polycystic kidney dysplasia; Kidney, Polycystic. Identifiers: MedGen C0022680, MeSH D007690, MONDO:0020642, HP:0000113.

Allele frequency attached by ClinVar (database versions not stated): 1000 Genomes Project 0.00919; ESP Exome Variant Server 0.00815; gnomAD exomes 0.00084 and 0.00209; gnomAD 0.00741 and 0.00773; ExAC 0.00245; TOPMed 0.00779; 1000 Genomes Project 30x 0.00968.
gnomAD v4.1: 2,412 of 1,613,126 alleles (0.15%); highest among the groups gnomAD compares: African/African-American, 2.5%; 29 homozygotes.

Submissions (17):

Labcorp Genetics (formerly Invitae), Labcorp
Classification: Benign for Autosomal recessive polycystic kidney disease. Last evaluated: 2026-01-31. Review status: criteria provided, single submitter. Criteria: Invitae Variant Classification Sherloc (09022015). Collection method: clinical testing. Allele origin: germline.

CeGaT Center for Human Genetics Tuebingen
Classification: Benign. Last evaluated: 2026-01-01. Review status: criteria provided, single submitter. Criteria: CeGaT Center For Human Genetics Tuebingen Variant Classification Criteria Version 2. Collection method: clinical testing. Allele origin: germline. Affected: yes. Observed: 3 variant alleles.
Comment: PKHD1: BS1, BS2

Mayo Clinic Laboratories, Mayo Clinic
Classification: Benign. Last evaluated: 2023-06-08. Review status: criteria provided, single submitter. Criteria: ACMG Guidelines, 2015. Collection method: clinical testing. Allele origin: germline. Observed: 5 variant alleles.
Comment: BA1

GeneDx
Classification: Benign. Last evaluated: 2021-03-24. Review status: criteria provided, single submitter. Criteria: GeneDx Variant Classification Process June 2021. Collection method: clinical testing. Allele origin: germline. Affected: yes.
Comment: This variant is associated with the following publications: (PMID: 12874454, 20981092)

Women's Health and Genetics/Laboratory Corporation of America, LabCorp
Classification: Benign. Last evaluated: 2021-03-15. Review status: criteria provided, single submitter. Criteria: LabCorp Variant Classification Summary - May 2015. Collection method: clinical testing. Allele origin: germline.
Comment: Variant summary: PKHD1 c.7921A>G (p.Thr2641Ala) results in a non-conservative amino acid change in the encoded protein sequence. Three of five in-silico tools predict a damaging effect of the variant on protein function. The variant allele was found at a frequency of 0.0021 in 251222 control chromosomes, predominantly at a frequency of 0.025 within the African or African-American subpopulation in the gnomAD database, including 12 homozygotes. The observed variant frequency within African or African-American control individuals in the gnomAD database is approximately 3.5- fold the estimated maximal expected allele frequency for a pathogenic variant in PKHD1 causing Polycystic Kidney And Hepatic Disease phenotype (0.0071), strongly suggesting that the variant is a benign polymorphism found primarily in populations of African or African-American origin. c.7921A>G has been reported in the literature in individuals affected with Polycystic Kidney And Hepatic Disease (e.g. Furu_2003, Melchionda_2016), but also in controls (e.g. Sharp_2005). These reports do not provide unequivocal conclusions about association of the variant with Polycystic Kidney And Hepatic Disease. To our knowledge, no experimental evidence demonstrating an impact on protein function has been reported. Four clinical diagnostic laboratories have submitted clinical-significance assessments for this variant to ClinVar after 2014 without evidence for independent evaluation. All laboratories cited the variant as benign/likely benign. Based on the evidence outlined above, the variant was classified as benign.

SIB Swiss Institute of Bioinformatics
Classification: Benign for Polycystic kidney disease 4. Last evaluated: 2018-05-31. Review status: criteria provided, single submitter. Criteria: ACMG Guidelines, 2015. Collection method: curation. Allele origin: unknown.
Comment: This variant is interpreted as a Benign, for Polycystic kidney disease 4 with or without polycystic liver disease, in Autosomal Recessive manner. The following ACMG Tag(s) were applied: BS1 => Allele frequency is greater than expected for disorder. BS2 => Observed in a healthy adult individual for a recessive (homozygous), dominant (heterozygous), or X-linked (hemizygous) disorder, with full penetrance expected at an early age.

Illumina Laboratory Services, Illumina
Classification: Benign for Polycystic kidney disease 4. Last evaluated: 2017-04-28. Review status: criteria provided, single submitter. Criteria: ICSL Variant Classification Criteria 13 December 2019. Collection method: clinical testing. Allele origin: germline.
Comment: This variant was observed as part of a predisposition screen in an ostensibly healthy population. A literature search was performed for the gene, cDNA change, and amino acid change (where applicable). Publications were found based on this search. The evidence from the literature, in combination with allele frequency data from public databases where available, was sufficient to rule this variant out of causing disease. Therefore, this variant is classified as benign.

Genomic Diagnostic Laboratory, Division of Genomic Diagnostics, Children's Hospital of Philadelphia
Classification: Likely benign. Last evaluated: 2015-10-01. Review status: criteria provided, single submitter. Criteria: DGD Variant Analysis Guidelines. Collection method: clinical testing. Allele origin: unknown.

Eurofins Ntd Llc (ga)
Classification: Benign. Last evaluated: 2013-09-06. Review status: criteria provided, single submitter. Criteria: EGL Classification Definitions 2015. Collection method: clinical testing. Allele origin: germline. Observed: 1 variant allele, 1 heterozygote.

Breakthrough Genomics
Classification: Likely benign. Review status: criteria provided, single submitter. Criteria: ACMG Guidelines, 2015. Collection method: not provided. Allele origin: germline. Inheritance: Autosomal recessive inheritance. Affected: yes.

PreventionGenetics, part of Exact Sciences
Classification: Benign. Review status: criteria provided, single submitter. Criteria: ACMG Guidelines, 2015. Collection method: clinical testing. Allele origin: germline.

Natera, Inc.
Classification: Likely benign for Autosomal recessive polycystic kidney disease. Last evaluated: 2017-06-30. Review status: no assertion criteria provided. Collection method: clinical testing. Allele origin: germline. Not counted in ClinVar's aggregate classification.

Counsyl
Classification: Likely benign for Polycystic kidney disease, infantile type. Last evaluated: 2014-03-27. Review status: no assertion criteria provided. Collection method: literature only. Allele origin: unknown. Inheritance: Autosomal recessive inheritance. Not counted in ClinVar's aggregate classification.

Department of Pathology and Laboratory Medicine, Sinai Health System
Classification: Likely benign for Polycystic Kidney disease. Review status: no assertion criteria provided. Collection method: clinical testing. Allele origin: unknown. Affected: yes. Study: The Canadian Open Genetics Repository (COGR). Not counted in ClinVar's aggregate classification.
Comment: The PKHD1 p.Thr2641Ala variant was identified in 2 of 320 proband chromosomes (frequency: 0.01) from individuals or families with ARPKD and was present in 2 of 200 control chromosomes (frequency: 0.01) from healthy individuals (Furu 2003, Sharp 2005). The variant was also identified in dbSNP (ID: rs7766366) as With other allele, ClinVar (classified as benign by Invitae, Prevention Genetcs, EGL; as likely benign by Counsyl and one clinical laboratory), Clinvitae, LOVD 3.0 (likely pathogenic), RWTH AAachen University ARPKD database (pathogenic), databases. The variant was not identified in GeneInsight-COGR, databases. The variant was identified in control databases in 715 of 276948 chromosomes (14 homozygous) at a frequency of 0.003 increasing the likelihood this could be a low frequency benign variant (Genome Aggregation Database Feb 27, 2017). Breakdown of the observations by population include African in 597 of 24022 chromosomes (freq: 0.02), Other in 16 of 6466 chromosomes (freq: 0.002), Latino in 73 of 34392 chromosomes (freq: 0.002), European in 28 of 126528 chromosomes (freq: 0.0002), and South Asian in 1 of 30778 chromosomes (freq: 0.000032), while the variant was not observed in the Ashkenazi Jewish, East Asian, Finnish, populations. The p.Thr2641 residue is conserved in mammals and computational analyses (PolyPhen-2, SIFT, AlignGVGD, BLOSUM, MutationTaster) provide inconsistent predictions regarding the impact to the protein; this information is not very predictive of pathogenicity. The variant occurs outside of the splicing consensus sequence and 1 of 5 in silico or computational prediction software programs (SpliceSiteFinder, MaxEntScan, NNSPLICE, GeneSplicer, HumanSpliceFinder) predict a greater than 10% difference in splicing; this is not very predictive of pathogenicity. In summary, based on the above information, the clinical significance of this variant cannot be determined with certainty at this time although we would lean towards a more benign role for this variant. This variant is classified as likely benign.

Dr. Peter K. Rogan Lab, Western University
No classification provided (evidence only). Condition: Clear cell carcinoma of kidney. Review status: no classification provided. Collection method: in vitro. Allele origin: not applicable. Functional consequence: retained intron. Not counted in ClinVar's aggregate classification.

Dr. Peter K. Rogan Lab, Western University
No classification provided (evidence only). Condition: Nonpapillary renal cell carcinoma. Review status: no classification provided. Collection method: in vitro. Allele origin: not applicable. Functional consequence: skipped exon, retained intron. Not counted in ClinVar's aggregate classification.

Dr. Peter K. Rogan Lab, Western University
No classification provided (evidence only). Condition: Ovarian serous cystadenocarcinoma. Review status: no classification provided. Collection method: in vitro. Allele origin: not applicable. Functional consequence: retained intron. Not counted in ClinVar's aggregate classification.

Literature cited by the submitters: PubMed 12874454 (cited by 3 submitters); PubMed 15805161 (cited by 3 submitters); PubMed 27225849 (cited by Women's Health and Genetics/Laboratory Corporation of America, LabCorp).